The following is an entry in ClinVar:

ClinVar aggregate classification (germline): Uncertain significance (1 of 4 stars; one submission).

gnomAD v4.1: 3 of 1,613,812 alleles (0.00019%); highest among the groups gnomAD compares: Non-Finnish European, 0.00025%; no homozygotes.

Submission:

GeneDx
Classification: Uncertain significance. Last evaluated: 2025-04-23. Review status: criteria provided, single submitter. Criteria: GeneDx Variant Classification Process June 2021. Collection method: clinical testing. Allele origin: germline. Affected: yes.
Comment: Not observed at significant frequency in large population cohorts (gnomAD); In silico analysis indicates that this missense variant does not alter protein structure/function; Has not been previously published as pathogenic or benign to our knowledge

NM_001039469.3(MARK2):c.1483G>A (p.Gly495Ser)

Gene: MARK2 (microtubule affinity regulating kinase 2; plus strand). Cytogenetic location: 11q13.1.
Variant type: single nucleotide variant.
Coding change: c.1483G>A on transcript NM_001039469.3 (MANE Select); coding-DNA position 1483, G replaced by A.
Protein change: p.Gly495Ser; replaces glycine 495 with serine.
Molecular consequence: missense variant.
Genome position (GRCh38, 1-based): chr11:63,903,127, G>A. VCF-style: chr11-63903127-G-A. GRCh37 (hg19) VCF-style: chr11-63670599-G-A.
Other names: c.1483G>A, p.Gly495Ser (NM_001163296.2); c.1480G>A, p.Gly494Ser (NM_001163297.2, NM_004954.5); c.1381G>A, p.Gly461Ser (NM_017490.4); short protein forms G461S, G494S, G495S.
Identifiers: ClinVar variation 4527344 (VCV004527344.1).
Genomic context (GRCh38, chr11:63,903,127, plus strand): 5'-GTCCTCTCCACCAGCACAAATCGAAGCAGGAATTCCCCACTTTTGGAGCGGGCCAGCCTC[G>A]GCCAGGCCTCCATCCAGAATGGCAAAGACAGGTGAGAGACCCGGGCCCTGCCTGCCTCAC-3'
Protein context (NP_001034558.2, residues 485-505): NSPLLERASL[Gly495Ser]QASIQNGKDS